The following is an entry in ClinVar:

NM_001943.5(DSG2):c.484del (p.Asp162fs)

Gene: DSG2 (desmoglein 2; plus strand). Cytogenetic location: 18q12.1.
Variant type: Deletion.
Coding change: c.484del on transcript NM_001943.5 (MANE Select); coding-DNA position 484, one base deleted (G; older notation c.484delG).
Protein change: p.Asp162fs; shifts the reading frame from aspartic acid 162.
Molecular consequence: frameshift variant.
Genome position (GRCh38, 1-based): chr18:31,521,204, G deleted; the last of 2 consecutive G bases (chr18:31,521,203-31,521,204); deleting either gives the same sequence. VCF-style (leftmost placement, unchanged base first): chr18-31521202-AG-A. GRCh37 (hg19) VCF-style: chr18-29101165-AG-A.
Other names: short protein forms D162fs.
Identifiers: ClinVar variation 926731 (VCV000926731.6), dbSNP rs1158782181, ClinGen allele CA913188915.

ClinVar aggregate classification (germline): Conflicting classifications of pathogenicity. Review status: criteria provided, conflicting classifications (1 of 4 stars). 3 submissions from 3 submitters: Pathogenic (1); Likely pathogenic (1); Uncertain significance (1). Last evaluated 2025-11-21.

Conditions:
DSG2-related disorders.
Cardiomyopathy (CMYO). Also called: Cardiomyopathies. Identifiers: Orphanet 167848, MedGen C0878544, MONDO:0004994, HP:0001638. Inheritance: Various modes of inheritance.
Arrhythmogenic right ventricular dysplasia 10. Also called: Arrhythmogenic Right Ventricular Dysplasia/Cardiomyopathy10; Arrhythmogenic right ventricular dysplasia/cardiomyopathy, type 10; ARRHYTHMOGENIC RIGHT VENTRICULAR DYSPLASIA, FAMILIAL, 10. Identifiers: MedGen C1857777, MONDO:0012434, OMIM 610193.

Submissions (3):

Victorian Clinical Genetics Services, Murdoch Childrens Research Institute
Classification: Pathogenic for Arrhythmogenic right ventricular dysplasia 10. Last evaluated: 2025-11-21. Review status: criteria provided, single submitter. Criteria: ACMG Guidelines, 2015. Collection method: clinical testing. Allele origin: germline. Affected: no.
Comment: This variant is classified as Pathogenic. Evidence in support of pathogenic classification: Variant is predicted to cause nonsense-mediated decay (NMD) and loss of protein (premature termination codon is located at least 54 nucleotides upstream of the final exon-exon junction); Variant is present in gnomAD <0.001 for a dominant condition (v4: 5 heterozygote(s), 0 homozygote(s)); Other NMD-predicted variant(s) comparable to the one identified in this case have very strong previous evidence for pathogenicity (DECIPHER). Additional information: This variant is heterozygous; This gene is associated with autosomal dominant disease. It is commonly associated with dominant inheritance for arrhythmogenic right ventricular dysplasia 10 (MIM#610193), however recessive inheritance has been reported for dilated cardiomyopathy 1BB (MIM#612877) (OMIM); Loss of function is a known mechanism of disease in this gene and is associated with arrhythmogenic right ventricular dysplasia 10 (ARVC) (MIM#610193) and dilated cardiomyopathy, 1BB (DCM) (MIM#612877). A single variant has been reported with a gain of function mechanism (PMID: 23071725); The condition associated with this gene has incomplete penetrance. Patients with variants causing ARVC have been reported with a penetrance of 58-75% (OMIM); Inheritance information for this variant is not currently available in this individual.

Blueprint Genetics
Classification: Likely pathogenic for DSG2-related disorders. Last evaluated: 2023-09-19. Review status: criteria provided, single submitter. Criteria: ACMG Guidelines, 2015. Collection method: clinical testing. Allele origin: germline. Affected: yes. Observed: 1 variant allele.

Color Diagnostics, LLC DBA Color Health
Classification: Uncertain significance for Cardiomyopathy. Last evaluated: 2019-03-20. Review status: criteria provided, single submitter. Criteria: ACMG Guidelines, 2015. Collection method: clinical testing. Allele origin: germline.
Comment: This variant deletes 1 nucleotide in exon 5 of the DSG2 gene, creating a frameshift and premature translation stop signal. This variant is expected to result in an absent or non-functional protein product. Computational splicing tools suggest that this variant may not impact RNA splicing. To our knowledge, functional assays have not been performed for this variant nor has this variant been reported in individuals affected with cardiovascular disorders in the literature. This variant has not been identified in the general population by the Genome Aggregation Database (gnomAD). Available evidence is insufficient to determine the role of this variant in disease conclusively. Therefore, this variant is classified as a Variant of Uncertain Significance.

Literature cited by the submitters: PubMed 23071725 (cited by Victorian Clinical Genetics Services, Murdoch Childrens Research Institute).